The following is an entry in ClinVar:

ClinVar aggregate classification (germline): Uncertain significance (1 of 4 stars; one submission).

Conditions:
Thrombocytopenia 5 (THC5). Also called: THROMBOCYTOPENIA 5 WITH INCREASED SUSCEPTIBILITY TO MALIGNANCY; THROMBOCYTOPENIA, AUTOSOMAL DOMINANT, 5. Identifiers: MedGen C4015537, MONDO:0014536, OMIM 616216.

Submission:

ISTH-SSC Genomics in Thrombosis and Hemostasis, KU Leuven, Center for Molecular and Vascular Biology
Classification: Uncertain significance for Thrombocytopenia 5. Review status: criteria provided, single submitter. Criteria: ACMG Guidelines, 2015. Collection method: clinical testing. Allele origin: germline. Affected: yes. Observed: 1 heterozygote.
Comment: Submitted to GoldVariant by Kathleen Freson, Center for Molecular and Vascular Biology, Leuven, Belgium

NM_001987.5(ETV6):c.1076G>T (p.Arg359Leu)

Genes: ETV6 (ETS variant transcription factor 6; plus strand), LOC126861452 (CDK7 strongly-dependent group 2 enhancer GRCh37_chr12:12037195-12038394; plus strand). Cytogenetic location: 12p13.2.
Variant type: single nucleotide variant.
Coding change: c.1076G>T on transcript NM_001987.5 (MANE Select); coding-DNA position 1076, G replaced by T.
Protein change: p.Arg359Leu; replaces arginine 359 with leucine.
Molecular consequence: missense variant.
Genome position (GRCh38, 1-based): chr12:11,884,511, G>T. VCF-style: chr12-11884511-G-T. GRCh37 (hg19) VCF-style: chr12-12037445-G-T.
Other names: short protein forms R359L.
Identifiers: ClinVar variation 1703824 (VCV001703824.1), dbSNP rs746162086, ClinGen allele CA384044612.